The following is an entry in ClinVar:

NM_004260.4(RECQL4):c.3056-2A>C

Gene: RECQL4 (RecQ like helicase 4; minus strand). Cytogenetic location: 8q24.3.
Variant type: single nucleotide variant.
Coding change: c.3056-2A>C on transcript NM_004260.4 (MANE Select); the canonical splice acceptor site of the intron before coding-DNA position 3056, A replaced by C.
Molecular consequence: splice acceptor variant.
Genome position (GRCh38, 1-based): chr8:144,512,326, T>G on the plus strand (A>C on the coding strand, the complement: RECQL4 is on the minus strand). VCF-style: chr8-144512326-T-G. GRCh37 (hg19) VCF-style: chr8-145737709-T-G.
Other names: IVS17AS, A-C, -2; c.2927-2A>C (NM_001413025.1); c.2705-2A>C (NM_001413029.1); c.1919-2A>C (NM_001413032.1, NM_001413027.1, NM_001413030.1); c.1985-2A>C (NM_001413035.1, NM_001413040.1, NM_001413021.1 and 4 more transcripts); c.2762-2A>C (NM_001413017.1); c.2960-2A>C (NM_001413020.1); c.3026-2A>C (NM_001413039.1); and 10 more.
Identifiers: ClinVar variation 6075 (VCV000006075.17), dbSNP rs786200889, ClinGen allele CA253758.

ClinVar aggregate classification (germline): Pathogenic/Likely pathogenic. Review status: criteria provided, multiple submitters, no conflicts (2 of 4 stars). 6 submissions from 6 submitters: Pathogenic (1); Likely pathogenic (3). 2 of the submissions do not count toward it. Last evaluated 2025-10-01.

Conditions:
Hereditary cancer-predisposing syndrome. Also called: Tumor predisposition; Hereditary neoplastic syndrome; Hereditary Cancer Syndrome; Neoplastic Syndromes, Hereditary. Identifiers: Orphanet 140162, MedGen C0027672, MeSH D009386, MONDO:0015356.
Baller-Gerold syndrome (BGS). Also called: CRANIOSYNOSTOSIS WITH RADIAL DEFECTS. Identifiers: Orphanet 1225, MedGen C0265308, MONDO:0009039, OMIM 218600.

Allele frequency attached by ClinVar (database versions not stated): gnomAD 0.00001; TOPMed 0.00001.
gnomAD v4.1: 5 of 1,611,928 alleles (0.00031%); highest among the groups gnomAD compares: Middle Eastern, 0.049%; no homozygotes.

Submissions (6):

Labcorp Genetics (formerly Invitae), Labcorp
Classification: Likely pathogenic for Baller-Gerold syndrome. Last evaluated: 2025-10-01. Review status: criteria provided, single submitter. Criteria: Invitae Variant Classification Sherloc (09022015). Collection method: clinical testing. Allele origin: germline.
Comment: This sequence change affects an acceptor splice site in intron 17 of the RECQL4 gene. It is expected to disrupt RNA splicing. Variants that disrupt the donor or acceptor splice site typically lead to a loss of protein function (PMID: 16199547), and loss-of-function variants in RECQL4 are known to be pathogenic (PMID: 12734318, 12952869). This variant is not present in population databases (gnomAD no frequency). Disruption of this splice site has been observed in individual(s) with Baller-Gerold syndrome and/or breast cancer (PMID: 15964893, 33999380). This variant is also known as IVS17-2A>C. ClinVar contains an entry for this variant (Variation ID: 6075). Algorithms developed to predict the effect of sequence changes on RNA splicing suggest that this variant may disrupt the consensus splice site. In summary, the currently available evidence indicates that the variant is pathogenic, but additional data are needed to prove that conclusively. Therefore, this variant has been classified as Likely Pathogenic.

GeneDx
Classification: Pathogenic. Last evaluated: 2023-01-18. Review status: criteria provided, single submitter. Criteria: GeneDx Variant Classification Process June 2021. Collection method: clinical testing. Allele origin: germline. Affected: yes.
Comment: Canonical splice site variant predicted to result in a null allele in a gene for which loss of function is a known mechanism of disease; Not observed at significant frequency in large population cohorts (gnomAD); This variant is associated with the following publications: (PMID: 34869606, 15964893)

Revvity Omics, Revvity
Classification: Likely pathogenic. Last evaluated: 2022-02-11. Review status: criteria provided, single submitter. Criteria: ACMG Guidelines, 2015. Collection method: clinical testing. Allele origin: germline.

Sema4
Classification: Likely pathogenic for Hereditary cancer-predisposing syndrome. Last evaluated: 2021-05-18. Review status: criteria provided, single submitter. Criteria: Sema4 Curation Guidelines. Collection method: curation. Allele origin: germline.
Comment: The RECQL4 c.3056-2A>C variant has been reported as homozygous in at least one individual with Baller-Gerold syndrome (PMID: 15964893). This variant is predicted to abolish the canonical splice site leading to an abnormal or absent protein. Loss-of-function variants in RECQL4 are known to be pathogenic (PMID: 28724667, 12952869). This variant is not reported in the population database Genome Aggregation Database (PMID: 32461654). This variant has been reported in ClinVar (Variation ID: 6075). Based on the current evidence available, this variant is interpreted as likely pathogenic.

OMIM
Classification: Pathogenic for BALLER-GEROLD SYNDROME. Last evaluated: 2006-02-01. Review status: no assertion criteria provided. Collection method: literature only. Allele origin: germline. Not counted in ClinVar's aggregate classification.

GeneReviews
No classification provided. Condition: Baller-Gerold syndrome. Review status: no classification provided. Collection method: literature only. Allele origin: germline. Not counted in ClinVar's aggregate classification.

Literature cited by the submitters: PubMed 16199547 (cited by Labcorp Genetics (formerly Invitae), Labcorp); PubMed 12734318 (cited by Labcorp Genetics (formerly Invitae), Labcorp); PubMed 12952869 (cited by Labcorp Genetics (formerly Invitae), Labcorp and Sema4); PubMed 15964893 (cited by 3 submitters); PubMed 33999380 (cited by Labcorp Genetics (formerly Invitae), Labcorp); PubMed 28724667 (cited by Sema4); NCBI Bookshelf NBK1204 (cited by GeneReviews).